The following is an entry in ClinVar:

NM_000535.7(PMS2):c.1424T>A (p.Val475Glu)

Gene: PMS2 (PMS1 homolog 2, mismatch repair system component; minus strand). Cytogenetic location: 7p22.1.
Variant type: single nucleotide variant.
Coding change: c.1424T>A on transcript NM_000535.7 (MANE Select); coding-DNA position 1424, T replaced by A.
Protein change: p.Val475Glu; replaces valine 475 with glutamic acid.
Molecular consequence: missense variant. On other transcripts: non-coding transcript variant (1).
Genome position (GRCh38, 1-based): chr7:5,987,341, A>T on the plus strand (T>A on the coding strand, the complement: PMS2 is on the minus strand). VCF-style: chr7-5987341-A-T. GRCh37 (hg19) VCF-style: chr7-6026972-A-T.
Other names: c.1019T>A, p.Val340Glu (NM_001322003.2, NM_001322004.2, NM_001322005.2 and 1 more transcripts); c.1268T>A, p.Val423Glu (NM_001322006.2); c.1106T>A, p.Val369Glu (NM_001322007.2, NM_001322008.2); c.863T>A, p.Val288Glu (NM_001322010.2); c.491T>A, p.Val164Glu (NM_001322011.2, NM_001322012.2); c.851T>A, p.Val284Glu (NM_001322013.2); c.1424T>A, p.Val475Glu (NM_001322014.2); c.1115T>A, p.Val372Glu (NM_001322015.2); short protein forms V475E, V372E, V423E, V284E, V164E, V288E, V369E, V340E.
Identifiers: ClinVar variation 141541 (VCV000141541.19), dbSNP rs587781827, ClinGen allele CA009659.

ClinVar aggregate classification (germline): Conflicting classifications of pathogenicity. Review status: criteria provided, conflicting classifications (1 of 4 stars). 5 submissions from 5 submitters: Uncertain significance (4); Likely benign (1). Last evaluated 2026-05-05.

Conditions:
Hereditary nonpolyposis colorectal neoplasms. Identifiers: MedGen C0009405, MeSH D003123.
Hereditary cancer-predisposing syndrome. Also called: Neoplastic Syndromes, Hereditary; Hereditary neoplastic syndrome; Hereditary Cancer Syndrome; Tumor predisposition. Identifiers: Orphanet 140162, MedGen C0027672, MeSH D009386, MONDO:0015356.
Lynch syndrome. Identifiers: Orphanet 144, MedGen C4552100, MONDO:0005835. Disease mechanism: loss of function.

Allele frequency attached by ClinVar (database versions not stated): gnomAD exomes below 0.00001.
gnomAD v4.1: 2 of 1,614,102 alleles (0.00012%); highest among the groups gnomAD compares: Admixed American, 0.0017%; no homozygotes.

Submissions (5):

Institute for Biomarker Research, Medical Diagnostic Laboratories, L.L.C.
Classification: Uncertain significance for Hereditary cancer-predisposing syndrome. Last evaluated: 2026-05-05. Review status: criteria provided, single submitter. Criteria: ACMG Guidelines, 2015. Collection method: clinical testing. Allele origin: germline.
Comment: The missense variant NM_000535.7(PMS2):c.1424T>A (p.Val475Glu) is not currently classified as pathogenic in clinical sources (Accession: VCV000141541.18). The p.Val475Glu variant is observed in 1/59,988 (0.0017%) alleles from individuals of gnomAD v4 AdmixedAmerican background in gnomAD v4 All. There is a moderate physicochemical difference between valine and glutamic acid. The p.Val475Glu variant is not predicted to introduce a novel splice site by any splice site algorithm. The p.Val475Glu missense variant is predicted to be tolerated by both SIFT or PolyPhen2. For these reasons, this variant has been classified as Uncertain Significance.

Labcorp Genetics (formerly Invitae), Labcorp
Classification: Uncertain significance for Hereditary nonpolyposis colorectal neoplasms. Last evaluated: 2025-08-31. Review status: criteria provided, single submitter. Criteria: Invitae Variant Classification Sherloc (09022015). Collection method: clinical testing. Allele origin: germline.
Comment: This sequence change replaces valine, which is neutral and non-polar, with glutamic acid, which is acidic and polar, at codon 475 of the PMS2 protein (p.Val475Glu). This variant is not present in population databases (gnomAD no frequency). This variant has not been reported in the literature in individuals affected with PMS2-related conditions. ClinVar contains an entry for this variant (Variation ID: 141541). Invitae Evidence Modeling incorporating data from in vitro experimental studies (internal data) indicates that this missense variant is not expected to disrupt PMS2 function with a negative predictive value of 95%. Experimental studies are conflicting or provide insufficient evidence to determine the effect of this variant on PMS2 function (PMID: 28494185). In summary, the available evidence is currently insufficient to determine the role of this variant in disease. Therefore, it has been classified as a Variant of Uncertain Significance.

Ambry Genetics
Classification: Likely benign for Hereditary cancer-predisposing syndrome. Last evaluated: 2025-02-12. Review status: criteria provided, single submitter. Criteria: Ambry Variant Classification Scheme 2023. Collection method: clinical testing. Allele origin: germline.

All of Us Research Program, National Institutes of Health
Classification: Uncertain significance for Lynch syndrome. Last evaluated: 2023-09-17. Review status: criteria provided, single submitter. Criteria: ACMG Guidelines, 2015. Collection method: clinical testing. Allele origin: germline. Inheritance: Autosomal dominant inheritance. Observed: 2 variant alleles, 2 heterozygotes.
Comment: This missense variant replaces valine with glutamic acid at codon 475 of the PMS2 protein. Computational prediction suggests that this variant may not impact protein structure and function (internally defined REVEL score threshold <= 0.5, PMID: 27666373). This variant did not have a significant impact on PMS2 protein expression or DNA damage response signaling compared to wild type (PMID: 28494185). This variant has not been reported in individuals affected with PMS2-related disorders in the literature. This variant has not been identified in the general population by the Genome Aggregation Database (gnomAD). The available evidence is insufficient to determine the role of this variant in disease conclusively. Therefore, this variant is classified as a Variant of Uncertain Significance.

This study involves interpretation of variants in research participants for the purpose of population health screening. Participant phenotype was not available at the time of variant classification. Additional details can be found in publication PMID: 35346344, PMCID: PMC8962531

GeneDx
Classification: Uncertain significance. Last evaluated: 2014-09-02. Review status: criteria provided, single submitter. Criteria: GeneDx Variant Classification (06012015). Collection method: clinical testing. Allele origin: germline. Affected: yes.
Comment: This variant is denoted PMS2 c.1424T>A at the cDNA level, p.Val475Glu (V475E) at the protein level, and results in the change of a Valine to a Glutamic Acid (GTG>GAG). This variant has not, to our knowledge, been published in the literature as pathogenic or benign. PMS2 Val475Glu was not observed in approximately 6,500 individuals of European and African American ancestry in the NHLBI Exome Sequencing Project, indicating it is not a common benign variant in these populations. Since Valine and Glutamic Acid differ in polarity, charge, size or other properties, this is considered a non-conservative amino acid substitution. PMS2 Val475Glu occurs at a position that is variable across species and is not located in a known functional domain. In silico analyses predict that this variant is unlikely to alter protein structure or function. Based on currently available information, it is unclear whether PMS2 Val475Glu is pathogenic or benign. We consider it to be a variant of uncertain significance.

Literature cited by the submitters: PubMed 28494185 (cited by 3 submitters).